The following is an entry in ClinVar:

NM_007294.4(BRCA1):c.146T>A (p.Leu49Gln)

Gene: BRCA1 (BRCA1 DNA repair associated; minus strand). Cytogenetic location: 17q21.31.
Variant type: single nucleotide variant.
Coding change: c.146T>A on transcript NM_007294.4 (MANE Select); coding-DNA position 146, T replaced by A.
Protein change: p.Leu49Gln; replaces leucine 49 with glutamine.
Molecular consequence: missense variant. On other transcripts: non-coding transcript variant (1).
Genome position (GRCh38, 1-based): chr17:43,106,522, A>T on the plus strand (T>A on the coding strand, the complement: BRCA1 is on the minus strand). VCF-style: chr17-43106522-A-T. GRCh37 (hg19) VCF-style: chr17-41258539-A-T.
Other names: c.5T>A, p.Leu2Gln (NM_001407738.1, NM_001407739.1, NM_001407740.1 and 99 more transcripts); c.146T>A, p.Leu49Gln (NM_001407859.1, NM_001407860.1, NM_001407861.1 and 168 more transcripts); c.-43T>A (NM_001407879.1, NM_001407881.1, NM_001407882.1 and 58 more transcripts); short protein forms L49Q, L2Q.
Identifiers: ClinVar variation 867885 (VCV000867885.3), dbSNP rs273897660, ClinGen allele CA10601863.

Conditions:
Breast-ovarian cancer, familial, susceptibility to, 1 (BROVCA1). Also called: BRCA1 Hereditary Breast and Ovarian Cancer; OVARIAN CANCER, SUSCEPTIBILITY TO. Identifiers: Orphanet 145, MedGen C2676676, MONDO:0011450, OMIM 604370. Disease mechanism: loss of function.

Submission:

Brotman Baty Institute, University of Washington
No classification provided (evidence only). Condition: Breast-ovarian cancer, familial 1. Review status: no classification provided. Collection method: in vitro. Allele origin: not applicable. Functional consequence: functionally_normal.
ClinVar note: "not provided" was previously submitted as the classification for the variant. However, the classification appeared to be based only on an observation of functional data so it was converted to no classification on 2025-07-30.